The following is an entry in ClinVar:

NM_021120.4(DLG3):c.1820-1316A>G

Gene: DLG3 (discs large MAGUK scaffold protein 3; plus strand). Cytogenetic location: Xq13.1.
Variant type: single nucleotide variant.
Coding change: c.1820-1316A>G on transcript NM_021120.4 (MANE Select); 1316 bases into the intron before coding-DNA position 1820, A replaced by G.
Molecular consequence: intron variant. On other transcripts: missense variant (2).
Genome position (GRCh38, 1-based): chrX:70,497,204, A>G. VCF-style: chrX-70497204-A-G. GRCh37 (hg19) VCF-style: chrX-69717054-A-G.
Other names: c.449A>G, p.Asp150Gly (NM_001166278.2); c.887A>G, p.Asp296Gly (NM_020730.3); short protein forms D150G, D296G.
Identifiers: ClinVar variation 2254833 (VCV002254833.3), dbSNP rs1379323936, ClinGen allele CA413460228.

ClinVar aggregate classification (germline): Conflicting classifications of pathogenicity. Review status: criteria provided, conflicting classifications (1 of 4 stars). 2 submissions from 2 submitters: Uncertain significance (1); Likely benign (1). Last evaluated 2026-08-01.

Conditions:
Inborn genetic diseases. Identifiers: MedGen C0950123, MeSH D030342.

Allele frequency attached by ClinVar (database versions not stated): gnomAD exomes below 0.00001; TOPMed 0.00001.
gnomAD v4.1: 4 of 1,211,572 alleles (0.00033%); highest among the groups gnomAD compares: Admixed American, 0.0065%; no homozygotes.

Submissions (2):

CeGaT Center for Human Genetics Tuebingen
Classification: Likely benign. Last evaluated: 2026-08-01. Review status: criteria provided, single submitter. Criteria: CeGaT Center For Human Genetics Tuebingen Variant Classification Criteria Version 2. Collection method: clinical testing. Allele origin: germline. Affected: yes. Observed: 1 variant allele.
Comment: DLG3: BP4

Ambry Genetics
Classification: Uncertain significance for Inborn genetic diseases. Last evaluated: 2021-11-19. Review status: criteria provided, single submitter. Criteria: Ambry Variant Classification Scheme 2023. Collection method: clinical testing. Allele origin: germline.